The following is an entry in ClinVar:

NM_006096.4(NDRG1):c.77T>C (p.Leu26Pro)

Gene: NDRG1 (N-myc downstream regulated 1; minus strand). Cytogenetic location: 8q24.22.
Variant type: single nucleotide variant.
Coding change: c.77T>C on transcript NM_006096.4 (MANE Select); coding-DNA position 77, T replaced by C.
Protein change: p.Leu26Pro; replaces leucine 26 with proline.
Molecular consequence: missense variant. On other transcripts: 5 prime UTR variant (2), intron variant (1).
Genome position (GRCh38, 1-based): chr8:133,280,254, A>G on the plus strand (T>C on the coding strand, the complement: NDRG1 is on the minus strand). VCF-style: chr8-133280254-A-G. GRCh37 (hg19) VCF-style: chr8-134292497-A-G.
Other names: c.77T>C, p.Leu26Pro (NM_001135242.2, NM_001374844.1, NM_001374845.1 and 1 more transcripts); c.-61T>C (NM_001258433.2); c.-122T>C (NM_001374847.1); c.-99-15602T>C (NM_001258432.2); short protein forms L26P.
Identifiers: ClinVar variation 2684271 (VCV002684271.2), dbSNP rs532454683, ClinGen allele CA4886915.

ClinVar aggregate classification (germline): Uncertain significance. Review status: criteria provided, multiple submitters, no conflicts (2 of 4 stars). 2 submissions from 2 submitters: Uncertain significance (2). Last evaluated 2025-05-15.

Conditions:
Inborn genetic diseases. Identifiers: MedGen C0950123, MeSH D030342.

Allele frequency attached by ClinVar (database versions not stated): gnomAD exomes below 0.00001; ExAC 0.00001; gnomAD 0.00001; 1000 Genomes Project 30x 0.00016; 1000 Genomes Project 0.00020.
gnomAD v4.1: 4 of 1,614,168 alleles (0.00025%); highest among the groups gnomAD compares: South Asian, 0.0044%; no homozygotes.

Submissions (2):

Ambry Genetics
Classification: Uncertain significance for Inborn genetic diseases. Last evaluated: 2025-05-15. Review status: criteria provided, single submitter. Criteria: Ambry Variant Classification Scheme 2023. Collection method: clinical testing. Allele origin: germline.

Athena Diagnostics
Classification: Uncertain significance. Last evaluated: 2022-10-24. Review status: criteria provided, single submitter. Criteria: Athena Diagnostics Criteria. Collection method: clinical testing. Allele origin: unknown.
Comment: Available data are insufficient to determine the clinical significance of the variant at this time. The frequency of this variant in the general population is uninformative in assessment of its pathogenicity. Computational tools predict that this variant is not damaging.